The following is an entry in ClinVar:

ClinVar aggregate classification (germline): Uncertain significance (1 of 4 stars; one submission).

Submission:

GeneDx
Classification: Uncertain significance. Last evaluated: 2014-06-24. Review status: criteria provided, single submitter. Criteria: GeneDx Variant Classification (06012015). Collection method: clinical testing. Allele origin: germline. Affected: yes.
Comment: Missense variants in the TTN gene are considered 'unclassified' if they are not previously reported in the literature and do not have >1% frequency in the population to be considered a polymorphism. Research indicates that truncating mutations in the TTN gene are expected to account for approximately 25% of familial and 18% of sporadic idiopathic DCM; however, truncating variants in the TTN gene have been reported in approximately 3% of reported control alleles. There has been little investigation into non-truncating variants. (Herman D et al. Truncations of titin causing dilated cardiomyopathy. N Eng J Med 366:619-628, 2012) The variant is found in DCM-CRDM panel(s).

NM_001267550.2(TTN):c.27713G>T (p.Trp9238Leu)

Gene: TTN (titin; minus strand). Cytogenetic location: 2q31.2.
Variant type: single nucleotide variant.
Coding change: c.27713G>T on transcript NM_001267550.2 (MANE Select); coding-DNA position 27713, G replaced by T.
Protein change: p.Trp9238Leu; replaces tryptophan 9238 with leucine.
Molecular consequence: missense variant. On other transcripts: intron variant (3).
Genome position (GRCh38, 1-based): chr2:178,712,117, C>A on the plus strand (G>T on the coding strand, the complement: TTN is on the minus strand). VCF-style: chr2-178712117-C-A. GRCh37 (hg19) VCF-style: chr2-179576844-C-A.
Other names: p.W8921L:TGG>TTG; c.26762G>T, p.Trp8921Leu (NM_001256850.1); c.23981G>T, p.Trp7994Leu (NM_133378.4); c.13282+25965G>T (NM_003319.4); c.13858+25965G>T (NM_133437.4); c.13657+25965G>T (NM_133432.3); short protein forms W8921L, W9238L, W7994L.
Identifiers: ClinVar variation 203352 (VCV000203352.2), dbSNP rs794729634, ClinGen allele CA312124.